The following is an entry in ClinVar:

NM_018699.4(PRDM5):c.493G>A (p.Glu165Lys)

Gene: PRDM5 (PR/SET domain 5; minus strand). Cytogenetic location: 4q27.
Variant type: single nucleotide variant.
Coding change: c.493G>A on transcript NM_018699.4 (MANE Select); coding-DNA position 493, G replaced by A.
Protein change: p.Glu165Lys; replaces glutamic acid 165 with lysine.
Molecular consequence: missense variant.
Genome position (GRCh38, 1-based): chr4:120,818,510, C>T on the plus strand (G>A on the coding strand, the complement: PRDM5 is on the minus strand). VCF-style: chr4-120818510-C-T. GRCh37 (hg19) VCF-style: chr4-121739665-C-T.
Other names: c.493G>A, p.Glu165Lys (NM_001300823.2, NM_001300824.2, NM_001379104.1 and 1 more transcripts); short protein forms E165K.
Identifiers: ClinVar variation 3937790 (VCV003937790.1).

ClinVar aggregate classification (germline): Uncertain significance (1 of 4 stars; one submission).

Conditions:
Cardiovascular phenotype. Identifiers: MedGen CN230736.

gnomAD v4.1: 4 of 1,613,358 alleles (0.00025%); highest among the groups gnomAD compares: Non-Finnish European, 0.00034%; no homozygotes.

Submission:

Ambry Genetics
Classification: Uncertain significance for Cardiovascular phenotype. Last evaluated: 2025-05-05. Review status: criteria provided, single submitter. Criteria: Ambry Variant Classification Scheme 2023. Collection method: clinical testing. Allele origin: germline.
Comment: The p.E165K variant (also known as c.493G>A), located in coding exon 5 of the PRDM5 gene, results from a G to A substitution at nucleotide position 493. The glutamic acid at codon 165 is replaced by lysine, an amino acid with similar properties. This amino acid position is conserved. In addition, this alteration is predicted to be tolerated by in silico analysis. Based on the available evidence, the clinical significance of this variant remains unclear.